The following is an entry in ClinVar:

NM_001715.3(BLK):c.223C>G (p.Arg75Gly)

Gene: BLK (BLK proto-oncogene, Src family tyrosine kinase). Cytogenetic location: 8p23.1.
Variant type: single nucleotide variant.
Coding change: c.223C>G on transcript NM_001715.3 (MANE Select); coding-DNA position 223, C replaced by G.
Protein change: p.Arg75Gly; replaces arginine 75 with glycine.
Molecular consequence: missense variant.
Genome position (GRCh38, 1-based): chr8:11,548,079, C>G. VCF-style: chr8-11548079-C-G. GRCh37 (hg19) VCF-style: chr8-11405588-C-G.
Other names: c.10C>G, p.Arg4Gly (NM_001330465.2); short protein forms R75G, R4G.
Identifiers: ClinVar variation 361477 (VCV000361477.16), dbSNP rs149393791, ClinGen allele CA4629760.

ClinVar aggregate classification (germline): Likely benign. Review status: criteria provided, multiple submitters, no conflicts (2 of 4 stars). 6 submissions from 6 submitters: Likely benign (5). 1 of the submissions does not count toward it. Last evaluated 2025-12-22.

Conditions:
Maturity-onset diabetes of the young type 11. Identifiers: Orphanet 552, MedGen C3150618, MONDO:0013242, OMIM 613375.

Allele frequency attached by ClinVar (database versions not stated): ESP Exome Variant Server 0.00046; gnomAD 0.00057; 1000 Genomes Project 0.00060; 1000 Genomes Project 30x 0.00062; TOPMed 0.00103.
gnomAD v4.1: 873 of 1,613,956 alleles (0.054%); highest among the groups gnomAD compares: Middle Eastern, 0.77%; 3 homozygotes.

Submissions (6):

Labcorp Genetics (formerly Invitae), Labcorp
Classification: Likely benign. Last evaluated: 2025-12-22. Review status: criteria provided, single submitter. Criteria: Invitae Variant Classification Sherloc (09022015). Collection method: clinical testing. Allele origin: germline.

Blueprint Genetics
Classification: Likely benign. Last evaluated: 2024-11-04. Review status: criteria provided, single submitter. Criteria: ACMG Guidelines, 2015. Collection method: clinical testing. Allele origin: germline.

GeneDx
Classification: Likely benign. Last evaluated: 2020-06-08. Review status: criteria provided, single submitter. Criteria: GeneDx Variant Classification Process June 2021. Collection method: clinical testing. Allele origin: germline. Affected: yes.

Illumina Laboratory Services, Illumina
Classification: Likely benign for Maturity-onset diabetes of the young type 11. Last evaluated: 2018-01-13. Review status: criteria provided, single submitter. Criteria: ICSL Variant Classification Criteria 13 December 2019. Collection method: clinical testing. Allele origin: germline.
Comment: This variant was observed in the ICSL laboratory as part of a predisposition screen in an ostensibly healthy population. It had not been previously curated by ICSL or reported in the Human Gene Mutation Database (HGMD: prior to June 1st, 2018), and was therefore a candidate for classification through an automated scoring system. Utilizing variant allele frequency, disease prevalence and penetrance estimates, and inheritance mode, an automated score was calculated to assess if this variant is too frequent to cause the disease. Based on the score and internal cut-off values, a variant classified as likely benign is not then subjected to further curation. The score for this variant resulted in a classification of likely benign for this disease.

Breakthrough Genomics
Classification: Likely benign. Review status: criteria provided, single submitter. Criteria: ACMG Guidelines, 2015. Collection method: not provided. Allele origin: germline. Inheritance: Autosomal dominant inheritance. Affected: yes.

Genetic Services Laboratory, University of Chicago
Classification: Likely benign. Last evaluated: 2022-06-22. Review status: no assertion criteria provided. Collection method: clinical testing. Allele origin: germline. Affected: no. Not counted in ClinVar's aggregate classification.